The following is an entry in ClinVar:

ClinVar aggregate classification (germline): Uncertain significance (1 of 4 stars; one submission).

Conditions:
HNRNPA1-related disorder. Also called: HNRNPA1-related condition.

Submission:

PreventionGenetics, part of Exact Sciences
Classification: Uncertain significance for HNRNPA1-related condition. Last evaluated: 2023-08-08. Review status: criteria provided, single submitter. Criteria: ACMG Guidelines, 2015. Collection method: clinical testing. Allele origin: germline.
Comment: The HNRNPA1 c.898G>T variant is predicted to result in the amino acid substitution p.Gly300Cys. To our knowledge, this variant has not been reported in the literature or in a large population database, indicating this variant is rare. At this time, the clinical significance of this variant is uncertain due to the absence of conclusive functional and genetic evidence.

NM_031157.4(HNRNPA1):c.898G>T (p.Gly300Cys)

Gene: HNRNPA1 (heterogeneous nuclear ribonucleoprotein A1; plus strand). Cytogenetic location: 12q13.13.
Variant type: single nucleotide variant.
Coding change: c.898G>T on transcript NM_031157.4 (MANE Select); coding-DNA position 898, G replaced by T.
Protein change: p.Gly300Cys; replaces glycine 300 with cysteine.
Molecular consequence: missense variant. On other transcripts: intron variant (1).
Genome position (GRCh38, 1-based): chr12:54,283,225, G>T. VCF-style: chr12-54283225-G-T. GRCh37 (hg19) VCF-style: chr12-54677009-G-T.
Other names: c.751+351G>T (NM_002136.4); short protein forms G300C.
Identifiers: ClinVar variation 2631245 (VCV002631245.1), dbSNP rs374887260, ClinGen allele CA385122160.